The following is an entry in ClinVar:

NM_001987.5(ETV6):c.1010-3T>C

Genes: ETV6 (ETS variant transcription factor 6; plus strand), LOC126861452 (CDK7 strongly-dependent group 2 enhancer GRCh37_chr12:12037195-12038394; plus strand). Cytogenetic location: 12p13.2.
Variant type: single nucleotide variant.
Coding change: c.1010-3T>C on transcript NM_001987.5 (MANE Select); 3 bases into the intron before coding-DNA position 1010, T replaced by C.
Molecular consequence: intron variant.
Genome position (GRCh38, 1-based): chr12:11,884,442, T>C. VCF-style: chr12-11884442-T-C. GRCh37 (hg19) VCF-style: chr12-12037376-T-C.
Other names: c.1010-3T>C (NM_001987.4).
Identifiers: ClinVar variation 1939015 (VCV001939015.6), dbSNP rs753509351, ClinGen allele CA6454389.

ClinVar aggregate classification (germline): Uncertain significance. Review status: criteria provided, multiple submitters, no conflicts (2 of 4 stars). 2 submissions from 2 submitters: Uncertain significance (2). Last evaluated 2026-02-11.

Conditions:
Inborn genetic diseases. Identifiers: MedGen C0950123, MeSH D030342.

Allele frequency attached by ClinVar (database versions not stated): gnomAD exomes below 0.00001; ExAC 0.00001; TOPMed 0.00001.
gnomAD v4.1: 1 of 1,614,200 alleles (0.000062%); highest among the groups gnomAD compares: East Asian, 0.0022%; no homozygotes.

Submissions (2):

Ambry Genetics
Classification: Uncertain significance for Inborn genetic diseases. Last evaluated: 2026-02-11. Review status: criteria provided, single submitter. Criteria: Ambry Variant Classification Scheme 2023. Collection method: clinical testing. Allele origin: germline.
Comment: The c.1010-3T>C intronic variant results from a T to C substitution 3 nucleotides upstream from coding exon 6 in the ETV6 gene. This nucleotide position is not well conserved in available vertebrate species. In silico splice site analysis predicts that this alteration will not have any significant effect on splicing. Based on the available evidence, the clinical significance of this variant remains unclear.

Labcorp Genetics (formerly Invitae), Labcorp
Classification: Uncertain significance. Last evaluated: 2024-06-05. Review status: criteria provided, single submitter. Criteria: Invitae Variant Classification Sherloc (09022015). Collection method: clinical testing. Allele origin: germline.
Comment: This sequence change falls in intron 5 of the ETV6 gene. It does not directly change the encoded amino acid sequence of the ETV6 protein. It affects a nucleotide within the consensus splice site. This variant is not present in population databases (gnomAD no frequency). This variant has not been reported in the literature in individuals affected with ETV6-related conditions. ClinVar contains an entry for this variant (Variation ID: 1939015). Variants that disrupt the consensus splice site are a relatively common cause of aberrant splicing (PMID: 17576681, 9536098). Algorithms developed to predict the effect of sequence changes on RNA splicing suggest that this variant is not likely to affect RNA splicing. In summary, the available evidence is currently insufficient to determine the role of this variant in disease. Therefore, it has been classified as a Variant of Uncertain Significance.

Literature cited by the submitters: PubMed 17576681 (cited by Labcorp Genetics (formerly Invitae), Labcorp); PubMed 9536098 (cited by Labcorp Genetics (formerly Invitae), Labcorp).